The following is an entry in ClinVar:

NM_006767.4(LZTR1):c.776A>T (p.Glu259Val)

Gene: LZTR1 (leucine zipper like post translational regulator 1; plus strand). Cytogenetic location: 22q11.21.
Variant type: single nucleotide variant.
Coding change: c.776A>T on transcript NM_006767.4 (MANE Select); coding-DNA position 776, A replaced by T.
Protein change: p.Glu259Val; replaces glutamic acid 259 with valine.
Molecular consequence: missense variant.
Genome position (GRCh38, 1-based): chr22:20,990,510, A>T. VCF-style: chr22-20990510-A-T. GRCh37 (hg19) VCF-style: chr22-21344799-A-T.
Other names: short protein forms E259V.
Identifiers: ClinVar variation 1760531 (VCV001760531.7), dbSNP rs2518615905, ClinGen allele CA410780684.

ClinVar aggregate classification (germline): Uncertain significance. Review status: criteria provided, multiple submitters, no conflicts (2 of 4 stars). 3 submissions from 3 submitters: Uncertain significance (3). Last evaluated 2025-02-25.

Conditions:
Hereditary cancer-predisposing syndrome. Also called: Neoplastic Syndromes, Hereditary; Tumor predisposition; Hereditary Cancer Syndrome; Hereditary neoplastic syndrome. Identifiers: Orphanet 140162, MedGen C0027672, MeSH D009386, MONDO:0015356.
Cardiovascular phenotype. Identifiers: MedGen CN230736.

Allele frequency attached by ClinVar (database versions not stated): gnomAD exomes below 0.00001.
gnomAD v4.1: 1 of 1,612,572 alleles (0.000062%); highest among the groups gnomAD compares: Non-Finnish European, 0.000085%; no homozygotes.

Submissions (3):

Labcorp Genetics (formerly Invitae), Labcorp
Classification: Uncertain significance. Last evaluated: 2025-02-25. Review status: criteria provided, single submitter. Criteria: Invitae Variant Classification Sherloc (09022015). Collection method: clinical testing. Allele origin: germline.
Comment: This sequence change replaces glutamic acid, which is acidic and polar, with valine, which is neutral and non-polar, at codon 259 of the LZTR1 protein (p.Glu259Val). This variant is not present in population databases (gnomAD no frequency). This variant has not been reported in the literature in individuals affected with LZTR1-related conditions. ClinVar contains an entry for this variant (Variation ID: 1760531). Invitae Evidence Modeling of protein sequence and biophysical properties (such as structural, functional, and spatial information, amino acid conservation, physicochemical variation, residue mobility, and thermodynamic stability) indicates that this missense variant is not expected to disrupt LZTR1 protein function with a negative predictive value of 80%. In summary, the available evidence is currently insufficient to determine the role of this variant in disease. Therefore, it has been classified as a Variant of Uncertain Significance.

GeneDx
Classification: Uncertain significance. Last evaluated: 2024-12-04. Review status: criteria provided, single submitter. Criteria: GeneDx Variant Classification Process June 2021. Collection method: clinical testing. Allele origin: germline. Affected: yes.
Comment: Not observed at significant frequency in large population cohorts (gnomAD); In silico analysis supports that this missense variant has a deleterious effect on protein structure/function; Has not been previously published as pathogenic or benign to our knowledge

Ambry Genetics
Classification: Uncertain significance for Cardiovascular phenotype; Hereditary cancer-predisposing syndrome. Last evaluated: 2021-06-25. Review status: criteria provided, single submitter. Criteria: Ambry Variant Classification Scheme 2023. Collection method: clinical testing. Allele origin: germline.
Comment: The p.E259V variant (also known as c.776A>T), located in coding exon 8 of the LZTR1 gene, results from an A to T substitution at nucleotide position 776. The glutamic acid at codon 259 is replaced by valine, an amino acid with dissimilar properties. This amino acid position is highly conserved in available vertebrate species. In addition, this alteration is predicted to be deleterious by in silico analysis. Since supporting evidence is limited at this time, the clinical significance of this alteration remains unclear.